The following is an entry in ClinVar:

NM_001367624.2(ZNF469):c.2132C>G (p.Pro711Arg)

Gene: ZNF469 (zinc finger protein 469; plus strand). Cytogenetic location: 16q24.2.
Variant type: single nucleotide variant.
Coding change: c.2132C>G on transcript NM_001367624.2 (MANE Select); coding-DNA position 2132, C replaced by G.
Protein change: p.Pro711Arg; replaces proline 711 with arginine.
Molecular consequence: missense variant.
Genome position (GRCh38, 1-based): chr16:88,429,602, C>G. VCF-style: chr16-88429602-C-G. GRCh37 (hg19) VCF-style: chr16-88496010-C-G.
Other names: NM_001127464.2:c.2132C>G; p.Pro711Arg; short protein forms P711R.
Identifiers: ClinVar variation 320883 (VCV000320883.21), dbSNP rs571184307, ClinGen allele CA8224748.

ClinVar aggregate classification (germline): Conflicting classifications of pathogenicity. Review status: criteria provided, conflicting classifications (1 of 4 stars). 7 submissions from 7 submitters: Uncertain significance (5); Likely benign (2). Last evaluated 2026-05-06.

Conditions:
Cardiovascular phenotype. Identifiers: MedGen CN230736.
Ehlers-Danlos syndrome (EDS). Identifiers: Orphanet 98249, MedGen C0013720, MONDO:0020066.
Brittle cornea syndrome 1 (BCS1). Also called: Corneal fragility keratoglobus, blue sclerae AND joint hypermobility; CORNEAL FRAGILITY, KERATOGLOBUS, BLUE SCLERAE, JOINT HYPEREXTENSIBILITY; EDS6B; FRAGILITAS OCULI WITH JOINT HYPEREXTENSIBILITY; DYSGENESIS MESODERMALIS CORNEAE ET SCLERAE. Identifiers: Orphanet 90354, MedGen C0268344, MONDO:0024543, OMIM 229200.

Allele frequency attached by ClinVar (database versions not stated): TOPMed 0.00038; 1000 Genomes Project 30x 0.00047; ExAC 0.00008; 1000 Genomes Project 0.00040.
gnomAD v4.1: 500 of 1,548,946 alleles (0.032%); highest among the groups gnomAD compares: Admixed American, 0.13%; no homozygotes.

Submissions (7):

Women's Health and Genetics/Laboratory Corporation of America, LabCorp
Classification: Uncertain significance. Last evaluated: 2026-05-06. Review status: criteria provided, single submitter. Criteria: LabCorp Variant Classification Summary - May 2015. Collection method: clinical testing. Allele origin: germline.
Comment: Variant summary: ZNF469 c.2132C>G (p.Pro711Arg) results in a non-conservative amino acid change in the encoded protein sequence. Algorithms developed to predict the effect of missense changes on protein structure and function are either unavailable or do not agree on the potential impact of this missense change. The variant allele was found at a frequency of 0.00024 in 147082 control chromosomes. This frequency is not significantly higher than estimated for disease-causing variants in ZNF469, allowing no conclusion about variant significance. To our knowledge, no occurrence of c.2132C>G in individuals affected with ZNF469-related conditions and no experimental evidence demonstrating its impact on protein function have been reported. ClinVar contains an entry for this variant (Variation ID: 320883). Based on the evidence outlined above, the variant was classified as uncertain significance.

Mayo Clinic Laboratories, Mayo Clinic
Classification: Likely benign. Last evaluated: 2025-08-31. Review status: criteria provided, single submitter. Criteria: ACMG Guidelines, 2015. Collection method: clinical testing. Allele origin: germline. Observed: 2 variant alleles.
Comment: BS1, BP4

GeneDx
Classification: Uncertain significance. Last evaluated: 2024-11-06. Review status: criteria provided, single submitter. Criteria: GeneDx Variant Classification Process June 2021. Collection method: clinical testing. Allele origin: germline. Affected: yes.
Comment: Has not been previously published as pathogenic or benign to our knowledge; In silico analysis supports that this missense variant has a deleterious effect on protein structure/function

Labcorp Genetics (formerly Invitae), Labcorp
Classification: Uncertain significance. Last evaluated: 2022-08-31. Review status: criteria provided, single submitter. Criteria: Invitae Variant Classification Sherloc (09022015). Collection method: clinical testing. Allele origin: germline.
Comment: This sequence change replaces proline, which is neutral and non-polar, with arginine, which is basic and polar, at codon 711 of the ZNF469 protein (p.Pro711Arg). This variant is present in population databases (rs571184307, gnomAD 0.08%). This variant has not been reported in the literature in individuals affected with ZNF469-related conditions. ClinVar contains an entry for this variant (Variation ID: 320883). Algorithms developed to predict the effect of missense changes on protein structure and function are either unavailable or do not agree on the potential impact of this missense change (SIFT: "Deleterious"; PolyPhen-2: "Benign"; Align-GVGD: "Class C0"). In summary, the available evidence is currently insufficient to determine the role of this variant in disease. Therefore, it has been classified as a Variant of Uncertain Significance.

Ambry Genetics
Classification: Likely benign for Cardiovascular phenotype. Last evaluated: 2022-04-13. Review status: criteria provided, single submitter. Criteria: Ambry Variant Classification Scheme 2023. Collection method: clinical testing. Allele origin: germline.

Genome Diagnostics Laboratory, The Hospital for Sick Children
Classification: Uncertain significance for Ehlers-Danlos syndrome. Last evaluated: 2020-10-06. Review status: criteria provided, single submitter. Criteria: ACMG Guidelines, 2015. Collection method: clinical testing. Allele origin: germline.

Revvity Omics, Revvity
Classification: Uncertain significance for Brittle cornea syndrome 1. Last evaluated: 2019-07-16. Review status: criteria provided, single submitter. Criteria: ACMG Guidelines, 2015. Collection method: clinical testing. Allele origin: germline.